The following is an entry in ClinVar:

NM_001375834.1(WIPF1):c.841G>C (p.Ala281Pro)

Gene: WIPF1 (WAS/WASL interacting protein family member 1; minus strand). Cytogenetic location: 2q31.1.
Variant type: single nucleotide variant.
Coding change: c.841G>C on transcript NM_001375834.1 (MANE Select); coding-DNA position 841, G replaced by C.
Protein change: p.Ala281Pro; replaces alanine 281 with proline.
Molecular consequence: missense variant.
Genome position (GRCh38, 1-based): chr2:174,571,964, C>G on the plus strand (G>C on the coding strand, the complement: WIPF1 is on the minus strand). VCF-style: chr2-174571964-C-G. GRCh37 (hg19) VCF-style: chr2-175436692-C-G.
Other names: p.Ala281Pro; c.841G>C, p.Ala281Pro (NM_001077269.1, NM_001375832.1, NM_001375833.1 and 5 more transcripts); c.463G>C, p.Ala155Pro (NM_001375839.1); short protein forms A281P, A155P.
Identifiers: ClinVar variation 967121 (VCV000967121.9), dbSNP rs201094141, ClinGen allele CA1974053.

ClinVar aggregate classification (germline): Uncertain significance. Review status: criteria provided, multiple submitters, no conflicts (2 of 4 stars). 5 submissions from 5 submitters: Uncertain significance (5). Last evaluated 2024-08-16.

Conditions:
Inborn genetic diseases. Identifiers: MedGen C0950123, MeSH D030342.
Wiskott-Aldrich syndrome 2 (WAS2). Also called: WIPF1 DEFICIENCY. Identifiers: Orphanet 906, MedGen C3281001, MONDO:0013779, OMIM 614493.

Allele frequency attached by ClinVar (database versions not stated): gnomAD 0.00004; gnomAD exomes 0.00004 and 0.00006; TOPMed 0.00005; ExAC 0.00007.
gnomAD v4.1: 76 of 1,568,526 alleles (0.0048%); highest among the groups gnomAD compares: Middle Eastern, 0.052%; no homozygotes.

Submissions (5):

Mayo Clinic Laboratories, Mayo Clinic
Classification: Uncertain significance. Last evaluated: 2024-08-16. Review status: criteria provided, single submitter. Criteria: ACMG Guidelines, 2015. Collection method: clinical testing. Allele origin: germline. Observed: 1 variant allele.
Comment: BP4

New York Genome Center
Classification: Uncertain significance for Wiskott-Aldrich syndrome 2. Last evaluated: 2023-03-22. Review status: criteria provided, single submitter. Criteria: NYGC Assertion Criteria 2020. Collection method: clinical testing. Allele origin: inherited. Observed: 2 heterozygotes. Clinical features observed: Chronic sinusitis (HP:0011109), Recurrent ear infections (HP:0410018), Recurrent respiratory infections (HP:0002205), Type 2 diabetes mellitus (HP:0005978), Hypothyroidism (HP:0000821), Peripheral neuropathy (HP:0009830), Recurrent infections (HP:0002719), Decreased circulating IgG concentration (HP:0004315).

Ambry Genetics
Classification: Uncertain significance for Inborn genetic diseases. Last evaluated: 2022-12-28. Review status: criteria provided, single submitter. Criteria: Ambry Variant Classification Scheme 2023. Collection method: clinical testing. Allele origin: germline.

Labcorp Genetics (formerly Invitae), Labcorp
Classification: Uncertain significance for Wiskott-Aldrich syndrome 2. Last evaluated: 2022-09-25. Review status: criteria provided, single submitter. Criteria: Invitae Variant Classification Sherloc (09022015). Collection method: clinical testing. Allele origin: germline.
Comment: This sequence change replaces alanine, which is neutral and non-polar, with proline, which is neutral and non-polar, at codon 281 of the WIPF1 protein (p.Ala281Pro). This variant is present in population databases (rs201094141, gnomAD 0.1%). This variant has not been reported in the literature in individuals affected with WIPF1-related conditions. ClinVar contains an entry for this variant (Variation ID: 967121). Algorithms developed to predict the effect of missense changes on protein structure and function are either unavailable or do not agree on the potential impact of this missense change (SIFT: "Not Available"; PolyPhen-2: "Benign"; Align-GVGD: "Not Available"). In summary, the available evidence is currently insufficient to determine the role of this variant in disease. Therefore, it has been classified as a Variant of Uncertain Significance.

Breakthrough Genomics
Classification: Uncertain significance. Review status: criteria provided, single submitter. Criteria: ACMG Guidelines, 2015. Collection method: not provided. Allele origin: germline. Inheritance: Autosomal recessive inheritance. Affected: yes.